The following is an entry in ClinVar:

ClinVar aggregate classification (germline): Pathogenic. Review status: criteria provided, multiple submitters, no conflicts (2 of 4 stars). 7 submissions from 7 submitters: Pathogenic (5). 2 of the submissions do not count toward it. Last evaluated 2025-12-03.

Conditions:
Methylmalonic aciduria due to complete methylmalonyl-CoA mutase deficiency.
Methylmalonic acidemia (MMA). Also called: Isolated Methylmalonic Acidemia. Identifiers: MedGen C0268583, MeSH C537358, MONDO:0002012, HP:0002912.
Methylmalonic aciduria due to methylmalonyl-CoA mutase deficiency (MAMM). Also called: Methylmalonic aciduria, mut type. Identifiers: Orphanet 27, MedGen C1855114, MONDO:0009612, OMIM 251000.

Allele frequency attached by ClinVar (database versions not stated): gnomAD exomes below 0.00001 and 0.00002; gnomAD 0.00001; TOPMed 0.00001; ExAC 0.00002.
gnomAD v4.1: 8 of 1,613,650 alleles (0.0005%); highest among the groups gnomAD compares: Admixed American, 0.0017%; no homozygotes.

Submissions (7):

Natera, Inc.
Classification: Pathogenic for Methylmalonic aciduria due to complete methylmalonyl-CoA mutase deficiency. Last evaluated: 2025-12-03. Review status: criteria provided, single submitter. Criteria: Natera Variant Classification Schema (03/2026). Collection method: clinical testing. Allele origin: germline.
Comment: The c.607G>A variant in MMUT is a missense variant predicted to cause substitution of glycine to arginine at amino acid 203. This variant is rare in the general population with a frequency below the threshold expected for the associated phenotype(s). This variant has been observed in one or more individuals affected with the associated recessive disease, as either homozygous or compound heterozygous with a second variant (PMID: 17113806, 27167370). Functional studies show that this variant may disrupt protein function (PMID: 27167370). Computational prediction algorithms indicate this variant is likely to affect gene or protein function. Given the available evidence, this variant is classified as Pathogenic.

Labcorp Genetics (formerly Invitae), Labcorp
Classification: Pathogenic. Last evaluated: 2025-10-02. Review status: criteria provided, single submitter. Criteria: Invitae Variant Classification Sherloc (09022015). Collection method: clinical testing. Allele origin: germline.
Comment: This sequence change replaces glycine, which is neutral and non-polar, with arginine, which is basic and polar, at codon 203 of the MUT protein (p.Gly203Arg). This variant is present in population databases (rs778702777, gnomAD 0.003%). This missense change has been observed in individual(s) with methylmalonic aciduria (PMID: 10923046, 16281286, 17432548, 19375370). In at least one individual the data is consistent with being in trans (on the opposite chromosome) from a pathogenic variant. ClinVar contains an entry for this variant (Variation ID: 218987). Invitae Evidence Modeling of protein sequence and biophysical properties (such as structural, functional, and spatial information, amino acid conservation, physicochemical variation, residue mobility, and thermodynamic stability) indicates that this missense variant is expected to disrupt MUT protein function with a positive predictive value of 95%. For these reasons, this variant has been classified as Pathogenic.

Women's Health and Genetics/Laboratory Corporation of America, LabCorp
Classification: Pathogenic for Methylmalonic acidemia. Last evaluated: 2023-06-09. Review status: criteria provided, single submitter. Criteria: LabCorp Variant Classification Summary - May 2015. Collection method: clinical testing. Allele origin: germline.
Comment: Variant summary: MUT c.607G>A (p.Gly203Arg) results in a non-conservative amino acid change located in the Methylmalonyl-CoA mutase, alpha chain, catalytic (IPR006098) of the encoded protein sequence. Five of five in-silico tools predict a damaging effect of the variant on protein function. The variant allele was found at a frequency of 1.6e-05 in 251262 control chromosomes. c.607G>A has been reported in the literature in multiple individuals affected with Methylmalonic Acidemia (Examples: Forny_2016, Worgan_2006) These data indicate that the variant is very likely to be associated with disease. Two homozygous individuals show severely decreased enzyme activity (Forny_2016). The following publications have been ascertained in the context of this evaluation (PMID: 27167370, 16281286). Five clinical diagnostic laboratories have submitted clinical-significance assessments for this variant to ClinVar after 2014 and all laboratories classified the variant as pathogenic. Based on the evidence outlined above, the variant was classified as pathogenic.

GeneDx
Classification: Pathogenic. Last evaluated: 2022-12-19. Review status: criteria provided, single submitter. Criteria: GeneDx Variant Classification Process June 2021. Collection method: clinical testing. Allele origin: germline. Affected: yes.
Comment: Not observed at significant frequency in large population cohorts (gnomAD); In silico analysis supports that this missense variant does not alter protein structure/function; This variant is associated with the following publications: (PMID: 10923046, 17113806, 31525265, 32778825, 17432548, 33985557, 19375370, 35223700, 30041674, 32754920)

CeGaT Center for Human Genetics Tuebingen
Classification: Pathogenic. Last evaluated: 2018-06-01. Review status: criteria provided, single submitter. Criteria: CeGaT Center For Human Genetics Tuebingen Variant Classification Criteria Version 2. Collection method: clinical testing. Allele origin: germline. Affected: yes. Observed: 1 variant allele.

Counsyl
Classification: Pathogenic for Methylmalonic aciduria due to methylmalonyl-CoA mutase deficiency. Last evaluated: 2017-11-16. Review status: no assertion criteria provided. Collection method: clinical testing. Allele origin: unknown. Not counted in ClinVar's aggregate classification.

GeneReviews
No classification provided. Condition: Methylmalonic aciduria due to methylmalonyl-CoA mutase deficiency. Review status: no classification provided. Collection method: literature only. Allele origin: germline. Affected: yes. Not counted in ClinVar's aggregate classification.
Comment: mut0 enzymatic subtype

Literature cited by the submitters: PubMed 17113806 (cited by Natera, Inc. and Counsyl); PubMed 27167370 (cited by Natera, Inc. and Women's Health and Genetics/Laboratory Corporation of America, LabCorp); PubMed 10923046 (cited by Labcorp Genetics (formerly Invitae), Labcorp and Counsyl); PubMed 16281286 (cited by 3 submitters); PubMed 17432548 (cited by Labcorp Genetics (formerly Invitae), Labcorp); PubMed 19375370 (cited by Labcorp Genetics (formerly Invitae), Labcorp); PubMed 22614770 (cited by Counsyl); PubMed 17957493 (cited by Counsyl); PubMed 24059531 (cited by Counsyl); NCBI Bookshelf NBK1231 (cited by GeneReviews).

NM_000255.4(MMUT):c.607G>A (p.Gly203Arg)

Gene: MMUT (methylmalonyl-CoA mutase; minus strand). Cytogenetic location: 6p12.3.
Variant type: single nucleotide variant.
Coding change: c.607G>A on transcript NM_000255.4 (MANE Select); coding-DNA position 607, G replaced by A.
Protein change: p.Gly203Arg; replaces glycine 203 with arginine.
Molecular consequence: missense variant.
Genome position (GRCh38, 1-based): chr6:49,457,837, C>T on the plus strand (G>A on the coding strand, the complement: MMUT is on the minus strand). VCF-style: chr6-49457837-C-T. GRCh37 (hg19) VCF-style: chr6-49425550-C-T.
Other names: short protein forms G203R.
Identifiers: ClinVar variation 218987 (VCV000218987.54), dbSNP rs778702777, ClinGen allele CA347872.